The following is an entry in ClinVar:

NM_016156.6(MTMR2):c.403G>A (p.Val135Ile)

Gene: MTMR2 (myotubularin related protein 2; minus strand). Cytogenetic location: 11q21.
Variant type: single nucleotide variant.
Coding change: c.403G>A on transcript NM_016156.6 (MANE Select); coding-DNA position 403, G replaced by A.
Protein change: p.Val135Ile; replaces valine 135 with isoleucine.
Molecular consequence: missense variant.
Genome position (GRCh38, 1-based): chr11:95,862,057, C>T on the plus strand (G>A on the coding strand, the complement: MTMR2 is on the minus strand). VCF-style: chr11-95862057-C-T. GRCh37 (hg19) VCF-style: chr11-95595221-C-T.
Other names: c.187G>A, p.Val63Ile (NM_001243571.2, NM_201278.3, NM_201281.3); short protein forms V135I, V63I.
Identifiers: ClinVar variation 1393682 (VCV001393682.11), dbSNP rs951220118, ClinGen allele CA226612036.

ClinVar aggregate classification (germline): Uncertain significance. Review status: criteria provided, multiple submitters, no conflicts (2 of 4 stars). 2 submissions from 2 submitters: Uncertain significance (2). Last evaluated 2025-11-24.

Conditions:
Inborn genetic diseases. Identifiers: MedGen C0950123, MeSH D030342.
Charcot-Marie-Tooth disease type 4. Also called: Charcot-Marie-Tooth, Type 4; Charcot-Marie-Tooth disease, type IV. Identifiers: Orphanet 64749, MedGen C4082197, MONDO:0018995.

Allele frequency attached by ClinVar (database versions not stated): gnomAD exomes below 0.00001; gnomAD 0.00002; TOPMed 0.00003.
gnomAD v4.1: 7 of 1,613,828 alleles (0.00043%); highest among the groups gnomAD compares: African/African-American, 0.008%; no homozygotes.

Submissions (2):

Ambry Genetics
Classification: Uncertain significance for Inborn genetic diseases. Last evaluated: 2025-11-24. Review status: criteria provided, single submitter. Criteria: Ambry Variant Classification Scheme 2023. Collection method: clinical testing. Allele origin: germline.

Labcorp Genetics (formerly Invitae), Labcorp
Classification: Uncertain significance for Charcot-Marie-Tooth disease type 4. Last evaluated: 2022-02-21. Review status: criteria provided, single submitter. Criteria: Invitae Variant Classification Sherloc (09022015). Collection method: clinical testing. Allele origin: germline.
Comment: This variant has not been reported in the literature in individuals affected with MTMR2-related conditions. Algorithms developed to predict the effect of missense changes on protein structure and function (SIFT, PolyPhen-2, Align-GVGD) all suggest that this variant is likely to be tolerated. In summary, the available evidence is currently insufficient to determine the role of this variant in disease. Therefore, it has been classified as a Variant of Uncertain Significance. This variant is present in population databases (no rsID available, gnomAD 0.007%). This sequence change replaces valine, which is neutral and non-polar, with isoleucine, which is neutral and non-polar, at codon 135 of the MTMR2 protein (p.Val135Ile).